The following is an entry in ClinVar:

NM_000210.4(ITGA6):c.2792A>G (p.Asn931Ser)

Genes: PDK1-AS1 (PDK1 and ITGA6 antisense RNA 1; minus strand), ITGA6 (integrin subunit alpha 6; plus strand). Cytogenetic location: 2q31.1.
Variant type: single nucleotide variant.
Coding change: c.2792A>G on transcript NM_000210.4 (MANE Select); coding-DNA position 2792, A replaced by G.
Protein change: p.Asn931Ser; replaces asparagine 931 with serine.
Molecular consequence: missense variant.
Genome position (GRCh38, 1-based): chr2:172,491,234, A>G. VCF-style: chr2-172491234-A-G. GRCh37 (hg19) VCF-style: chr2-173355962-A-G.
Other names: c.2792A>G, p.Asn931Ser (NM_001079818.3); c.2435A>G, p.Asn812Ser (NM_001316306.2); c.2747A>G, p.Asn916Ser (NM_001365529.2, NM_001365530.2); short protein forms N931S, N916S, N812S.
Identifiers: ClinVar variation 332380 (VCV000332380.11), dbSNP rs778456920, ClinGen allele CA1968498.

ClinVar aggregate classification (germline): Uncertain significance. Review status: criteria provided, multiple submitters, no conflicts (2 of 4 stars). 4 submissions from 4 submitters: Uncertain significance (4). Last evaluated 2025-10-14.

Conditions:
Inborn genetic diseases. Identifiers: MedGen C0950123, MeSH D030342.
Epidermolysis bullosa, junctional 6, with pyloric atresia. Also called: ITGA6-Related Epidermolysis Bullosa with Pyloric Atresia. Identifiers: MedGen C5676957, MONDO:0859233, OMIM 619817.
Junctional epidermolysis bullosa with pyloric atresia. Also called: CARMI SYNDROME; EB-PA-ACC; ITGB4-Related Epidermolysis Bullosa with Pyloric Atresia; APLASIA CUTIS CONGENITA WITH GASTROINTESTINAL ATRESIA; Epidermolysis bullosa, junctional, with pyloric atresia and aplasia cutis congenita; Epidermolysis bullosa junctionalis with pyloric atresia. Identifiers: Orphanet 79403, MedGen C5676875, MONDO:0009183, OMIM 226730.

Allele frequency attached by ClinVar (database versions not stated): gnomAD 0.00004 and 0.00005; gnomAD exomes 0.00004; TOPMed 0.00006; ExAC 0.00004.
gnomAD v4.1: 59 of 1,608,288 alleles (0.0037%); highest among the groups gnomAD compares: Non-Finnish European, 0.0049%; no homozygotes.

Submissions (4):

Labcorp Genetics (formerly Invitae), Labcorp
Classification: Uncertain significance. Last evaluated: 2025-10-14. Review status: criteria provided, single submitter. Criteria: Invitae Variant Classification Sherloc (09022015). Collection method: clinical testing. Allele origin: germline.
Comment: This sequence change replaces asparagine, which is neutral and polar, with serine, which is neutral and polar, at codon 931 of the ITGA6 protein (p.Asn931Ser). This variant is present in population databases (rs778456920, gnomAD 0.009%). This variant has not been reported in the literature in individuals affected with ITGA6-related conditions. ClinVar contains an entry for this variant (Variation ID: 332380). Invitae Evidence Modeling of protein sequence and biophysical properties (such as structural, functional, and spatial information, amino acid conservation, physicochemical variation, residue mobility, and thermodynamic stability) indicates that this missense variant is not expected to disrupt ITGA6 protein function with a negative predictive value of 80%. In summary, the available evidence is currently insufficient to determine the role of this variant in disease. Therefore, it has been classified as a Variant of Uncertain Significance.

Ambry Genetics
Classification: Uncertain significance for Inborn genetic diseases. Last evaluated: 2023-10-13. Review status: criteria provided, single submitter. Criteria: Ambry Variant Classification Scheme 2023. Collection method: clinical testing. Allele origin: germline.

Fulgent Genetics
Classification: Uncertain significance for Epidermolysis bullosa, junctional 6, with pyloric atresia. Last evaluated: 2022-01-25. Review status: criteria provided, single submitter. Criteria: ACMG Guidelines, 2015. Collection method: clinical testing. Allele origin: unknown.

Illumina Laboratory Services, Illumina
Classification: Uncertain significance for Junctional epidermolysis bullosa with pyloric atresia. Last evaluated: 2018-01-12. Review status: criteria provided, single submitter. Criteria: ICSL Variant Classification Criteria 13 December 2019. Collection method: clinical testing. Allele origin: germline.